The following is an entry in ClinVar:

ClinVar aggregate classification (germline): Benign. Review status: criteria provided, multiple submitters, no conflicts (2 of 4 stars). 2 submissions from 2 submitters: Benign (2). Last evaluated 2018-06-14.

Allele frequency attached by ClinVar (database versions not stated): 1000 Genomes Project 30x 0.74266; 1000 Genomes Project 0.74461; TOPMed 0.79348; gnomAD 0.80718 and 0.81159; gnomAD exomes 0.84531.
gnomAD v4.1: 1,277,058 of 1,518,086 alleles (84%); highest among the groups gnomAD compares: Non-Finnish European, 87%; 540,505 homozygotes.

Submissions (2):

GeneDx
Classification: Benign. Last evaluated: 2018-06-14. Review status: criteria provided, single submitter. Criteria: GeneDx Variant Classification (06012015). Collection method: clinical testing. Allele origin: germline. Affected: yes.
Comment: This variant is considered likely benign or benign based on one or more of the following criteria: it is a conservative change, it occurs at a poorly conserved position in the protein, it is predicted to be benign by multiple in silico algorithms, and/or has population frequency not consistent with disease.

Breakthrough Genomics
Classification: Benign. Review status: criteria provided, single submitter. Criteria: ACMG Guidelines, 2015. Collection method: not provided. Allele origin: germline. Inheritance: Autosomal dominant inheritance. Affected: yes.

NM_000088.4(COL1A1):c.804+80A>C

Genes: COL1A1 (collagen type I alpha 1 chain; minus strand), LOC126862586 (CDK7 strongly-dependent group 2 enhancer GRCh37_chr17:48273702-48274901; plus strand). Cytogenetic location: 17q21.33.
Variant type: single nucleotide variant.
Coding change: c.804+80A>C on transcript NM_000088.4 (MANE Select); 80 bases into the intron after coding-DNA position 804, A replaced by C.
Molecular consequence: intron variant.
Genome position (GRCh38, 1-based): chr17:50,196,930, T>G on the plus strand (A>C on the coding strand, the complement: COL1A1 is on the minus strand). VCF-style: chr17-50196930-T-G. GRCh37 (hg19) VCF-style: chr17-48274291-T-G.
Identifiers: ClinVar variation 674977 (VCV000674977.2), dbSNP rs2075555, ClinGen allele CA15902774.
Genomic context (GRCh38, chr17:50,196,930, plus strand): 5'-GATGTCCACTCTCTGTCCCTTGGGACTTCTGTAGCTGCCACCCACCATGATGCAACTCAG[T>G]ATCTTTTGGGGAAGAGGTTGGGACTGGATGGGGGTATGCTAGGGACTTGGGGAGCTTAAA-3'